The following is an entry in ClinVar:

NM_020203.6(MEPE):c.1234G>A (p.Asp412Asn)

Genes: MEPE (matrix extracellular phosphoglycoprotein; plus strand), MEPE-AS1 (MEPE and IBSP antisense RNA 1; minus strand). Cytogenetic location: 4q22.1.
Variant type: single nucleotide variant.
Coding change: c.1234G>A on transcript NM_020203.6 (MANE Select); coding-DNA position 1234, G replaced by A.
Protein change: p.Asp412Asn; replaces aspartic acid 412 with asparagine.
Molecular consequence: missense variant.
Genome position (GRCh38, 1-based): chr4:87,846,102, G>A. VCF-style: chr4-87846102-G-A. GRCh37 (hg19) VCF-style: chr4-88767254-G-A.
Other names: c.1234G>A, p.Asp412Asn (NM_001184694.3); c.895G>A, p.Asp299Asn (NM_001184695.4, NM_001184696.2, NM_001184697.2); c.1327G>A, p.Asp443Asn (NM_001291183.2); c.1327G>A (NM_001291183.1); short protein forms D299N, D443N, D412N.
Identifiers: ClinVar variation 3395047 (VCV003395047.2).

ClinVar aggregate classification (germline): Uncertain significance. Review status: criteria provided, multiple submitters, no conflicts (2 of 4 stars). 2 submissions from 2 submitters: Uncertain significance (2). Last evaluated 2025-10-14.

Conditions:
MEPE-related disorder. Also called: MEPE-related condition.

Submissions (2):

PreventionGenetics, part of Exact Sciences
Classification: Uncertain significance for MEPE-related condition. Last evaluated: 2025-10-14. Review status: criteria provided, single submitter. Criteria: ACMG Guidelines, 2015. Collection method: clinical testing. Allele origin: germline.
Comment: The MEPE c.1327G>A variant is predicted to result in the amino acid substitution p.Asp443Asn. To our knowledge, this variant has not been reported in the literature. This variant is reported in one out of ~251,000 alleles in gnomAD. At this time, the clinical significance of this variant is uncertain due to the absence of conclusive functional and genetic evidence.

Ambry Genetics
Classification: Uncertain significance. Last evaluated: 2024-10-29. Review status: criteria provided, single submitter. Criteria: Ambry Variant Classification Scheme 2023. Collection method: clinical testing. Allele origin: germline.